The following is an entry in ClinVar:

NM_000271.5(NPC1):c.2517A>G (p.Ile839Met)

Gene: NPC1 (NPC intracellular cholesterol transporter 1; minus strand). Cytogenetic location: 18q11.2.
Variant type: single nucleotide variant.
Coding change: c.2517A>G on transcript NM_000271.5 (MANE Select); coding-DNA position 2517, A replaced by G.
Protein change: p.Ile839Met; replaces isoleucine 839 with methionine.
Molecular consequence: missense variant.
Genome position (GRCh38, 1-based): chr18:23,540,535, T>C on the plus strand (A>G on the coding strand, the complement: NPC1 is on the minus strand). VCF-style: chr18-23540535-T-C. GRCh37 (hg19) VCF-style: chr18-21120499-T-C.
Other names: short protein forms I839M.
Identifiers: ClinVar variation 2108302 (VCV002108302.4), dbSNP rs2511218487, ClinGen allele CA401793247.

ClinVar aggregate classification (germline): Uncertain significance (1 of 4 stars; one submission).

Conditions:
Niemann-Pick disease, type C1. Also called: NIEMANN-PICK DISEASE, VARIANT TYPE C1; NEUROVISCERAL STORAGE DISEASE WITH VERTICAL SUPRANUCLEAR OPHTHALMOPLEGIA; NIEMANN-PICK DISEASE WITH CHOLESTEROL ESTERIFICATION BLOCK; NIEMANN-PICK DISEASE WITHOUT SPHINGOMYELINASE DEFICIENCY; NIEMANN-PICK DISEASE, CHRONIC NEURONOPATHIC FORM. Identifiers: Orphanet 646, MedGen C3179455, MONDO:0009757, OMIM 257220.

Allele frequency attached by ClinVar (database versions not stated): gnomAD exomes below 0.00001.

Submission:

Labcorp Genetics (formerly Invitae), Labcorp
Classification: Uncertain significance for Niemann-Pick disease, type C1. Last evaluated: 2024-01-02. Review status: criteria provided, single submitter. Criteria: Invitae Variant Classification Sherloc (09022015). Collection method: clinical testing. Allele origin: germline.
Comment: This sequence change replaces isoleucine, which is neutral and non-polar, with methionine, which is neutral and non-polar, at codon 839 of the NPC1 protein (p.Ile839Met). This variant is not present in population databases (gnomAD no frequency). This variant has not been reported in the literature in individuals affected with NPC1-related conditions. ClinVar contains an entry for this variant (Variation ID: 2108302). Algorithms developed to predict the effect of missense changes on protein structure and function output the following: SIFT: "Not Available"; PolyPhen-2: "Benign"; Align-GVGD: "Not Available". The methionine amino acid residue is found in multiple mammalian species, which suggests that this missense change does not adversely affect protein function. In summary, the available evidence is currently insufficient to determine the role of this variant in disease. Therefore, it has been classified as a Variant of Uncertain Significance.